The following is an entry in ClinVar:

NM_020975.6(RET):c.1892A>T (p.Asp631Val)

Gene: RET (ret proto-oncogene; plus strand). Cytogenetic location: 10q11.21.
Variant type: single nucleotide variant.
Coding change: c.1892A>T on transcript NM_020975.6 (MANE Select); coding-DNA position 1892, A replaced by T.
Protein change: p.Asp631Val; replaces aspartic acid 631 with valine.
Molecular consequence: missense variant.
Genome position (GRCh38, 1-based): chr10:43,114,492, A>T. VCF-style: chr10-43114492-A-T. GRCh37 (hg19) VCF-style: chr10-43609940-A-T.
Other names: c.1892A>T, p.Asp631Val (NM_000323.2, NM_001406743.1, NM_001406744.1 and 4 more transcripts); c.1130A>T, p.Asp377Val (NM_001355216.2); c.1763A>T, p.Asp588Val (NM_001406761.1, NM_001406762.1, NM_001406764.1); c.1604A>T, p.Asp535Val (NM_001406766.1, NM_001406767.1, NM_001406770.1); c.1496A>T, p.Asp499Val (NM_001406769.1, NM_001406772.1); c.995A>T, p.Asp332Val (NM_001406781.1, NM_001406782.1, NM_001406779.1 and 1 more transcripts); c.866A>T, p.Asp289Val (NM_001406783.1, NM_001406786.1); c.902A>T, p.Asp301Val (NM_001406784.1); and 7 more; short protein forms D377V, D485V, D148V, D196V, D236V, D389V, D535V, D588V.
Identifiers: ClinVar variation 24917 (VCV000024917.51), dbSNP rs121913308, ClinGen allele CA008228.

ClinVar aggregate classification (germline): Conflicting classifications of pathogenicity. Review status: criteria provided, conflicting classifications (1 of 4 stars). 2 submissions from 2 submitters: Likely pathogenic (1); Uncertain significance (1). Last evaluated 2026-03-01.

Conditions:
Multiple endocrine neoplasia, type 2 (MEN2). Identifiers: Orphanet 653, MedGen C4048306, MONDO:0019003. Disease mechanism: gain of function.

Allele frequency attached by ClinVar (database versions not stated): ExAC 0.00001.

Submissions (2):

CeGaT Center for Human Genetics Tuebingen
Classification: Likely pathogenic. Last evaluated: 2026-03-01. Review status: criteria provided, single submitter. Criteria: CeGaT Center For Human Genetics Tuebingen Variant Classification Criteria Version 2. Collection method: clinical testing. Allele origin: germline. Affected: yes. Observed: 1 variant allele.
Comment: RET: PM2, PM5, PP4, PS4:Supporting

Labcorp Genetics (formerly Invitae), Labcorp
Classification: Uncertain significance for Multiple endocrine neoplasia, type 2. Last evaluated: 2020-02-19. Review status: criteria provided, single submitter. Criteria: Invitae Variant Classification Sherloc (09022015). Collection method: clinical testing. Allele origin: germline.
Comment: The frequency data for this variant in the population databases is considered unreliable, as metrics indicate poor data quality at this position in the ExAC database. In summary, the available evidence is currently insufficient to determine the role of this variant in disease. Therefore, it has been classified as a Variant of Uncertain Significance. This variant disrupts the p.Asp631 amino acid residue in RET. Other variant(s) that disrupt this residue have been determined to be pathogenic (PMID: 16839264, 10049754, 22274720, 28747092). This suggests that this residue is clinically significant, and that variants that disrupt this residue are likely to be disease-causing. Algorithms developed to predict the effect of missense changes on protein structure and function are either unavailable or do not agree on the potential impact of this missense change (SIFT: "Deleterious"; PolyPhen-2: "Benign"; Align-GVGD: "Class C0"). This variant has been observed in individual(s) with pheochromocytoma (PMID: 15858153). ClinVar contains an entry for this variant (Variation ID: 24917, 549800). This sequence change replaces aspartic acid with valine at codon 631 of the RET protein (p.Asp631Val). The aspartic acid residue is highly conserved and there is a large physicochemical difference between aspartic acid and valine.

Literature cited by the submitters: PubMed 16839264 (cited by Labcorp Genetics (formerly Invitae), Labcorp); PubMed 10049754 (cited by Labcorp Genetics (formerly Invitae), Labcorp); PubMed 22274720 (cited by Labcorp Genetics (formerly Invitae), Labcorp); PubMed 28747092 (cited by Labcorp Genetics (formerly Invitae), Labcorp); PubMed 15858153 (cited by Labcorp Genetics (formerly Invitae), Labcorp).